The following is an entry in ClinVar:

NM_024675.4(PALB2):c.3484G>C (p.Val1162Leu)

Gene: PALB2 (partner and localizer of BRCA2; minus strand). Cytogenetic location: 16p12.2.
Variant type: single nucleotide variant.
Coding change: c.3484G>C on transcript NM_024675.4 (MANE Select); coding-DNA position 3484, G replaced by C.
Protein change: p.Val1162Leu; replaces valine 1162 with leucine.
Molecular consequence: missense variant. On other transcripts: 3 prime UTR variant (5).
Genome position (GRCh38, 1-based): chr16:23,603,536, C>G on the plus strand (G>C on the coding strand, the complement: PALB2 is on the minus strand). VCF-style: chr16-23603536-C-G. GRCh37 (hg19) VCF-style: chr16-23614857-C-G.
Other names: c.3424G>C, p.Val1142Leu (NM_001407296.1); c.3412G>C, p.Val1138Leu (NM_001407297.1); c.3322G>C, p.Val1108Leu (NM_001407298.1); c.3247G>C, p.Val1083Leu (NM_001407299.1); c.3205G>C, p.Val1069Leu (NM_001407300.1); c.*119G>C (NM_001407301.1, NM_001407302.1, NM_001407310.1 and 2 more transcripts); c.2599G>C, p.Val867Leu (NM_001407304.1, NM_001407305.1, NM_001407306.1); c.2437G>C, p.Val813Leu (NM_001407307.1); and 3 more; short protein forms V1142L, V566L, V788L, V867L, V1083L, V1108L, V813L, V1138L.
Identifiers: ClinVar variation 4719034 (VCV004719034.1).

ClinVar aggregate classification (germline): Uncertain significance (1 of 4 stars; one submission).

Conditions:
Familial cancer of breast. Also called: hereditary breast carcinoma; BREAST CANCER, FAMILIAL; Hereditary breast cancer. Identifiers: Orphanet 227535, MedGen C0346153, MONDO:0016419, OMIM 114480. Disease mechanism: loss of function.

Submission:

Labcorp Genetics (formerly Invitae), Labcorp
Classification: Uncertain significance for Familial cancer of breast. Last evaluated: 2025-05-06. Review status: criteria provided, single submitter. Criteria: Invitae Variant Classification Sherloc (09022015). Collection method: clinical testing. Allele origin: germline.
Comment: This sequence change replaces valine, which is neutral and non-polar, with leucine, which is neutral and non-polar, at codon 1162 of the PALB2 protein (p.Val1162Leu). This variant is not present in population databases (gnomAD no frequency). This variant has not been reported in the literature in individuals affected with PALB2-related conditions. An algorithm developed to predict the effect of missense changes on protein structure and function (PolyPhen-2) suggests that this variant is likely to be disruptive. In summary, the available evidence is currently insufficient to determine the role of this variant in disease. Therefore, it has been classified as a Variant of Uncertain Significance.